The following is an entry in ClinVar:

NM_015072.5(TTLL5):c.3326G>A (p.Arg1109Lys)

Gene: TTLL5 (tubulin tyrosine ligase like 5; plus strand). Cytogenetic location: 14q24.3.
Variant type: single nucleotide variant.
Coding change: c.3326G>A on transcript NM_015072.5 (MANE Select); coding-DNA position 3326, G replaced by A.
Protein change: p.Arg1109Lys; replaces arginine 1109 with lysine.
Molecular consequence: missense variant.
Genome position (GRCh38, 1-based): chr14:75,820,161, G>A. VCF-style: chr14-75820161-G-A. GRCh37 (hg19) VCF-style: chr14-76286504-G-A.
Other names: short protein forms R1109K.
Identifiers: ClinVar variation 2018672 (VCV002018672.4), dbSNP rs779546072, ClinGen allele CA390536858.

ClinVar aggregate classification (germline): Uncertain significance (1 of 4 stars; one submission).

Submission:

Labcorp Genetics (formerly Invitae), Labcorp
Classification: Uncertain significance. Last evaluated: 2022-09-27. Review status: criteria provided, single submitter. Criteria: Invitae Variant Classification Sherloc (09022015). Collection method: clinical testing. Allele origin: germline.
Comment: In summary, the available evidence is currently insufficient to determine the role of this variant in disease. Therefore, it has been classified as a Variant of Uncertain Significance. Variants that disrupt the consensus splice site are a relatively common cause of aberrant splicing (PMID: 17576681, 9536098). Algorithms developed to predict the effect of missense changes on protein structure and function are either unavailable or do not agree on the potential impact of this missense change (SIFT: "Deleterious"; PolyPhen-2: "Benign"; Align-GVGD: "Class C0"). This variant has not been reported in the literature in individuals affected with TTLL5-related conditions. This variant is not present in population databases (gnomAD no frequency). This sequence change replaces arginine, which is basic and polar, with lysine, which is basic and polar, at codon 1109 of the TTLL5 protein (p.Arg1109Lys). This variant also falls at the last nucleotide of exon 28, which is part of the consensus splice site for this exon.

Literature cited by the submitters: PubMed 17576681; PubMed 9536098.